The following is an entry in ClinVar:

ClinVar aggregate classification (germline): Uncertain significance (1 of 4 stars; one submission).

Conditions:
Congenital contractural arachnodactyly (CCA). Also called: Arthrogryposis, distal, type 9; BEALS SYNDROME; Beals-Hecht syndrome. Identifiers: Orphanet 115, MedGen C0220668, MONDO:0007363, OMIM 121050.

Allele frequency attached by ClinVar (database versions not stated): gnomAD exomes below 0.00001.
gnomAD v4.1: 1 of 1,613,968 alleles (0.000062%); highest among the groups gnomAD compares: Non-Finnish European, 0.000085%; no homozygotes.

Submission:

Labcorp Genetics (formerly Invitae), Labcorp
Classification: Uncertain significance for Congenital contractural arachnodactyly. Last evaluated: 2025-12-08. Review status: criteria provided, single submitter. Criteria: Invitae Variant Classification Sherloc (09022015). Collection method: clinical testing. Allele origin: germline.
Comment: This sequence change falls in intron 45 of the FBN2 gene. It does not directly change the encoded amino acid sequence of the FBN2 protein. It affects a nucleotide within the consensus splice site. This variant is not present in population databases (gnomAD no frequency). This variant has not been reported in the literature in individuals affected with FBN2-related conditions. ClinVar contains an entry for this variant (Variation ID: 1055330). Variants that disrupt the consensus splice site are a relatively common cause of aberrant splicing (PMID: 17576681, 9536098). Algorithms developed to predict the effect of sequence changes on RNA splicing suggest that this variant is not likely to affect RNA splicing. In summary, the available evidence is currently insufficient to determine the role of this variant in disease. Therefore, it has been classified as a Variant of Uncertain Significance.

Literature cited by the submitters: PubMed 17576681; PubMed 9536098.

NM_001999.4(FBN2):c.5800+6A>T

Gene: FBN2 (fibrillin 2; minus strand). Cytogenetic location: 5q23.3.
Variant type: single nucleotide variant.
Coding change: c.5800+6A>T on transcript NM_001999.4 (MANE Select); 6 bases into the intron after coding-DNA position 5800, A replaced by T.
Molecular consequence: intron variant.
Genome position (GRCh38, 1-based): chr5:128,304,951, T>A on the plus strand (A>T on the coding strand, the complement: FBN2 is on the minus strand). VCF-style: chr5-128304951-T-A. GRCh37 (hg19) VCF-style: chr5-127640643-T-A.
Identifiers: ClinVar variation 1055330 (VCV001055330.7), dbSNP rs2126838039, ClinGen allele CA2499217538.